The following is an entry in ClinVar:

NM_001351132.2(PEX5):c.665T>C (p.Ile222Thr)

Gene: PEX5 (peroxisomal biogenesis factor 5; plus strand). Cytogenetic location: 12p13.31.
Variant type: single nucleotide variant.
Coding change: c.665T>C on transcript NM_001351132.2 (MANE Select); coding-DNA position 665, T replaced by C.
Protein change: p.Ile222Thr; replaces isoleucine 222 with threonine.
Molecular consequence: missense variant. On other transcripts: intron variant (15).
Genome position (GRCh38, 1-based): chr12:7,202,263, T>C. VCF-style: chr12-7202263-T-C. GRCh37 (hg19) VCF-style: chr12-7354859-T-C.
Other names: c.665T>C, p.Ile222Thr (NM_000319.5, NM_001131025.2, NM_001131026.2 and 6 more transcripts); c.710T>C, p.Ile237Thr (NM_001131023.2); c.643-349T>C (NM_001351124.3, NM_001351126.2, NM_001374646.1 and 10 more transcripts); c.688-349T>C (NM_001351135.3, NM_001351138.2); short protein forms I222T, I237T.
Identifiers: ClinVar variation 2628733 (VCV002628733.1), dbSNP rs745602402, ClinGen allele CA6426231.
Genomic context (GRCh38, chr12:7,202,263, plus strand): 5'-CCTTTCCCAAGTGGCCTGTGTGTGTCTCTGTGCCCCAGTTCCTGAAATTCGTGCGGCAGA[T>C]TGGCGAAGGGCAGGTGTCCCTGGAGTCCGGTGCAGGGTCGGGCCGAGCTCAGGCAGAACA-3'
Protein context (NP_001338061.1, residues 212-232): NSEFLKFVRQ[Ile222Thr]GEGQVSLESG

ClinVar aggregate classification (germline): Uncertain significance (1 of 4 stars; one submission).

Conditions:
PEX5-related disorder. Also called: PEX5-Related Disorders; PEX5-related condition.

Allele frequency attached by ClinVar (database versions not stated): gnomAD exomes below 0.00001; TOPMed below 0.00001; ExAC 0.00001.
gnomAD v4.1: 4 of 1,614,050 alleles (0.00025%); highest among the groups gnomAD compares: South Asian, 0.0011%; no homozygotes.

Submission:

PreventionGenetics, part of Exact Sciences
Classification: Uncertain significance for PEX5-related condition. Last evaluated: 2022-12-22. Review status: criteria provided, single submitter. Criteria: ACMG Guidelines, 2015. Collection method: clinical testing. Allele origin: germline.
Comment: The PEX5 c.665T>C variant is predicted to result in the amino acid substitution p.Ile222Thr. To our knowledge, this variant has not been reported in the literature although another variant impacting the same amino acid has been previously reported and classified as a variant of uncertain significance (c.664A>G, p.Ile222Val, Nykamp K et al 2017. PubMed ID: 28492532) . This variant is reported in 0.0040% of alleles in individuals of African descent in gnomAD. At this time, the clinical significance of this variant is uncertain due to the absence of conclusive functional and genetic evidence.